The following is an entry in ClinVar:

ClinVar aggregate classification (germline): Uncertain significance (1 of 4 stars; one submission).

Conditions:
Nephronophthisis 18 (NPHP18). Identifiers: Orphanet 655, MedGen C3890591, MONDO:0014374, OMIM 615862.

Allele frequency attached by ClinVar (database versions not stated): gnomAD 0.00001; TOPMed 0.00002.
gnomAD v4.1: 9 of 1,612,346 alleles (0.00056%); highest among the groups gnomAD compares: Non-Finnish European, 0.00076%; no homozygotes.

Submission:

Labcorp Genetics (formerly Invitae), Labcorp
Classification: Uncertain significance for Nephronophthisis 18. Last evaluated: 2021-04-06. Review status: criteria provided, single submitter. Criteria: Invitae Variant Classification Sherloc (09022015). Collection method: clinical testing. Allele origin: germline.
Comment: In summary, the available evidence is currently insufficient to determine the role of this variant in disease. Therefore, it has been classified as a Variant of Uncertain Significance. Algorithms developed to predict the effect of missense changes on protein structure and function are either unavailable or do not agree on the potential impact of this missense change (SIFT: "Not Available"; PolyPhen-2: "Benign"; Align-GVGD: "Not Available"). This variant has not been reported in the literature in individuals with CEP83-related conditions. This variant is not present in population databases (ExAC no frequency). This sequence change replaces threonine with isoleucine at codon 79 of the CEP83 protein (p.Thr79Ile). The threonine residue is moderately conserved and there is a moderate physicochemical difference between threonine and isoleucine.

NM_016122.3(CEP83):c.236C>T (p.Thr79Ile)

Gene: CEP83 (centrosomal protein 83; minus strand). Cytogenetic location: 12q22.
Variant type: single nucleotide variant.
Coding change: c.236C>T on transcript NM_016122.3 (MANE Select); coding-DNA position 236, C replaced by T.
Protein change: p.Thr79Ile; replaces threonine 79 with isoleucine.
Molecular consequence: missense variant. On other transcripts: 5 prime UTR variant (6), non-coding transcript variant (3).
Genome position (GRCh38, 1-based): chr12:94,411,785, G>A on the plus strand (C>T on the coding strand, the complement: CEP83 is on the minus strand). VCF-style: chr12-94411785-G-A. GRCh37 (hg19) VCF-style: chr12-94805561-G-A.
Other names: c.236C>T, p.Thr79Ile (NM_001042399.2, NM_001346457.2, NM_001346460.2 and 4 more transcripts); c.-77C>T (NM_001346458.2, NM_001346459.2, NM_001346462.2 and 3 more transcripts); short protein forms T79I.
Identifiers: ClinVar variation 859223 (VCV000859223.8), dbSNP rs928177600, ClinGen allele CA242066941.